The following is an entry in ClinVar:

NM_007315.4(STAT1):c.1633-15T>A

Gene: STAT1 (signal transducer and activator of transcription 1; minus strand). Cytogenetic location: 2q32.2.
Variant type: single nucleotide variant.
Coding change: c.1633-15T>A on transcript NM_007315.4 (MANE Select); 15 bases into the intron before coding-DNA position 1633, T replaced by A.
Molecular consequence: intron variant.
Genome position (GRCh38, 1-based): chr2:190,979,881, A>T on the plus strand (T>A on the coding strand, the complement: STAT1 is on the minus strand). VCF-style: chr2-190979881-A-T. GRCh37 (hg19) VCF-style: chr2-191844607-A-T.
Other names: c.1543-15T>A (NM_001384890.1); c.1534-15T>A (NM_001384883.1); c.1474-15T>A (NM_001384885.1); c.1540-15T>A (NM_001384887.1); c.1573-15T>A (NM_001384880.1); c.1603-15T>A (NM_001384888.1); c.1627-15T>A (NM_001384882.1); c.1633-15T>A (NM_001384889.1, NM_001384886.1, NM_139266.3); and 2 more.
Identifiers: ClinVar variation 3758386 (VCV003758386.2).

ClinVar aggregate classification (germline): Uncertain significance (1 of 4 stars; one submission).

Conditions:
Autoimmune enteropathy and endocrinopathy - susceptibility to chronic infections syndrome. Also called: Immunodeficiency 31C, autosomal dominant; Immunodeficiency 31C. Identifiers: Orphanet 391487, MedGen C3279990, MONDO:0013599, OMIM 614162.
Mendelian susceptibility to mycobacterial diseases due to partial STAT1 deficiency. Also called: IMMUNODEFICIENCY 31A, MYCOBACTERIOSIS, AUTOSOMAL DOMINANT; STAT1 DEFICIENCY, AUTOSOMAL DOMINANT; Immunodeficiency 31a. Identifiers: Orphanet 319595, MedGen C4013950, MONDO:0013956, OMIM 614892.
Immunodeficiency 31B. Also called: STAT1 DEFICIENCY, AUTOSOMAL RECESSIVE; IMMUNODEFICIENCY 31B, MYCOBACTERIAL AND VIRAL INFECTIONS, AUTOSOMAL RECESSIVE. Identifiers: Orphanet 391311, MedGen C3151088, MONDO:0013427, OMIM 613796.

gnomAD v4.1: 9 of 1,548,256 alleles (0.00058%); highest among the groups gnomAD compares: African/African-American, 0.0082%; no homozygotes.

Submission:

Labcorp Genetics (formerly Invitae), Labcorp
Classification: Uncertain significance for Mendelian susceptibility to mycobacterial diseases due to partial STAT1 deficiency; Immunodeficiency 31B; Autoimmune enteropathy and endocrinopathy - susceptibility to chronic infections syndrome. Last evaluated: 2024-03-28. Review status: criteria provided, single submitter. Criteria: Invitae Variant Classification Sherloc (09022015). Collection method: clinical testing. Allele origin: germline.
Comment: This sequence change falls in intron 19 of the STAT1 gene. It does not directly change the encoded amino acid sequence of the STAT1 protein. This variant is present in population databases (no rsID available, gnomAD 0.01%). This variant has not been reported in the literature in individuals affected with STAT1-related conditions. Algorithms developed to predict the effect of sequence changes on RNA splicing suggest that this variant may disrupt the consensus splice site. In summary, the available evidence is currently insufficient to determine the role of this variant in disease. Therefore, it has been classified as a Variant of Uncertain Significance.